The following is an entry in ClinVar:

ClinVar aggregate classification (germline): Benign. Review status: criteria provided, multiple submitters, no conflicts (2 of 4 stars). 3 submissions from 3 submitters: Benign (3). Last evaluated 2018-06-16.

Allele frequency attached by ClinVar (database versions not stated): gnomAD 0.02426 and 0.02626; TOPMed 0.02774; 1000 Genomes Project 0.02796; ESP Exome Variant Server 0.02868; 1000 Genomes Project 30x 0.02967.
gnomAD v4.1: 7,255 of 1,570,556 alleles (0.46%); highest among the groups gnomAD compares: African/African-American, 8.7%; 290 homozygotes.

Submissions (3):

GeneDx
Classification: Benign. Last evaluated: 2018-06-16. Review status: criteria provided, single submitter. Criteria: GeneDx Variant Classification (06012015). Collection method: clinical testing. Allele origin: germline. Affected: yes.
Comment: This variant is considered likely benign or benign based on one or more of the following criteria: it is a conservative change, it occurs at a poorly conserved position in the protein, it is predicted to be benign by multiple in silico algorithms, and/or has population frequency not consistent with disease.

Eurofins Ntd Llc (ga)
Classification: Benign. Last evaluated: 2017-02-10. Review status: criteria provided, single submitter. Criteria: EGL Classification Definitions 2015. Collection method: clinical testing. Allele origin: germline. Observed: 1 variant allele, 1 heterozygote.

Breakthrough Genomics
Classification: Benign. Review status: criteria provided, single submitter. Criteria: ACMG Guidelines, 2015. Collection method: not provided. Allele origin: germline. Inheritance: Autosomal recessive inheritance. Affected: yes.

NM_001130987.2(DYSF):c.239+31C>G

Gene: DYSF (dysferlin; plus strand). Cytogenetic location: 2p13.2.
Variant type: single nucleotide variant.
Coding change: c.239+31C>G on transcript NM_001130987.2 (MANE Select); 31 bases into the intron after coding-DNA position 239, C replaced by G.
Molecular consequence: intron variant.
Genome position (GRCh38, 1-based): chr2:71,482,001, C>G. VCF-style: chr2-71482001-C-G. GRCh37 (hg19) VCF-style: chr2-71709131-C-G.
Other names: c.236+31C>G (NM_001130979.2, NM_001130981.2, NM_001130980.2 and 4 more transcripts); c.239+31C>G (NM_001130982.2, NM_001130985.2, NM_001130983.2 and 3 more transcripts).
Identifiers: ClinVar variation 496859 (VCV000496859.6), dbSNP rs78958249, ClinGen allele CA1705277.
Genomic context (GRCh38, chr2:71,482,001, plus strand): 5'-CAAAGACCATGAGACGATGGGGAGGAACAGGTAAGGTGGCCAGAGGGGGGTGCTCCATGG[C>G]TTGAAGGTGCAGGTAGGATTGTGGAGTATACAGACTGCAGAATCCCAGGCCCCAGGGAGC-3'